The following is an entry in ClinVar:

ClinVar aggregate classification (germline): Conflicting classifications of pathogenicity. Review status: criteria provided, conflicting classifications (1 of 4 stars). 7 submissions from 7 submitters: Uncertain significance (1); Likely benign (6). Last evaluated 2026-01-28.

Conditions:
TTN-related disorder. Also called: TTN-related condition; TTN-related disease; TTN-related disorders.
Dilated cardiomyopathy 1G (CMD1G). Identifiers: Orphanet 154, MedGen C1858763, MONDO:0011400, OMIM 604145.
Autosomal recessive limb-girdle muscular dystrophy type 2J (LGMDR10). Also called: Limb-girdle muscular dystrophy, type 2J; MUSCULAR DYSTROPHY, LIMB-GIRDLE, AUTOSOMAL RECESSIVE 10. Identifiers: Orphanet 140922, MedGen C1837342, MONDO:0012127, OMIM 608807.

Allele frequency attached by ClinVar (database versions not stated): gnomAD 0.00013 and 0.00015; TOPMed 0.00015; ESP Exome Variant Server 0.00016; gnomAD exomes 0.00001 and 0.00002; ExAC 0.00002.
gnomAD v4.1: 35 of 1,613,502 alleles (0.0022%); highest among the groups gnomAD compares: African/African-American, 0.04%; no homozygotes.

Submissions (7):

Labcorp Genetics (formerly Invitae), Labcorp
Classification: Likely benign for Dilated cardiomyopathy 1G; Autosomal recessive limb-girdle muscular dystrophy type 2J. Last evaluated: 2026-01-28. Review status: criteria provided, single submitter. Criteria: Invitae Variant Classification Sherloc (09022015). Collection method: clinical testing. Allele origin: germline.

PreventionGenetics, part of Exact Sciences
Classification: Likely benign for TTN-related condition. Last evaluated: 2025-11-21. Review status: criteria provided, single submitter. Criteria: ACMG Guidelines, 2015. Collection method: clinical testing. Allele origin: germline.
Comment: This variant is classified as likely benign based on ACMG/AMP sequence variant interpretation guidelines (Richards et al. 2015 PMID: 25741868, with internal and published modifications).

Molecular Diagnostic Laboratory for Inherited Cardiovascular Disease, Montreal Heart Institute
Classification: Likely benign. Last evaluated: 2025-04-09. Review status: criteria provided, single submitter. Criteria: ACMG Guidelines, 2015. Collection method: clinical testing. Allele origin: germline. Affected: no.

Women's Health and Genetics/Laboratory Corporation of America, LabCorp
Classification: Likely benign. Last evaluated: 2025-02-03. Review status: criteria provided, single submitter. Criteria: LabCorp Variant Classification Summary - May 2015. Collection method: clinical testing. Allele origin: germline.

GeneDx
Classification: Likely benign. Last evaluated: 2017-06-13. Review status: criteria provided, single submitter. Criteria: GeneDx Variant Classification (06012015). Collection method: clinical testing. Allele origin: germline. Affected: yes.
Comment: This variant is considered likely benign or benign based on one or more of the following criteria: it is a conservative change, it occurs at a poorly conserved position in the protein, it is predicted to be benign by multiple in silico algorithms, and/or has population frequency not consistent with disease.

Eurofins Ntd Llc (ga)
Classification: Uncertain significance. Last evaluated: 2016-02-23. Review status: criteria provided, single submitter. Criteria: EGL Classification Definitions 2015. Collection method: clinical testing. Allele origin: germline. Observed: 1 variant allele, 1 heterozygote.

Laboratory for Molecular Medicine, Mass General Brigham Personalized Medicine
Classification: Likely benign. Last evaluated: 2013-08-07. Review status: criteria provided, single submitter. Criteria: LMM Criteria. Collection method: clinical testing. Allele origin: germline. Observed: 1 variant allele.
Comment: Leu7732Leu in exon 90 of TTN: This variant is not expected to have clinical sign ificance because it does not alter an amino acid residue and is not located with in the splice consensus sequence. It has been identified in 2/3920 African Ameri can chromosomes by the NHLBI Exome Sequencing Project (. edu/EVS). Leu7732Leu in exon 90 of TTN (allele frequency = 2/3920) **

NM_001267550.2(TTN):c.26928G>A (p.Leu8976=)

Gene: TTN (titin; minus strand). Cytogenetic location: 2q31.2.
Variant type: single nucleotide variant.
Coding change: c.26928G>A on transcript NM_001267550.2 (MANE Select); coding-DNA position 26928, G replaced by A.
Protein change: p.Leu8976=; no amino-acid change (leucine 8976 retained).
Molecular consequence: synonymous variant. On other transcripts: intron variant (3).
Genome position (GRCh38, 1-based): chr2:178,713,206, C>T on the plus strand (G>A on the coding strand, the complement: TTN is on the minus strand). VCF-style: chr2-178713206-C-T. GRCh37 (hg19) VCF-style: chr2-179577933-C-T.
Other names: c.25977G>A, p.Leu8659= (NM_001256850.1); c.23196G>A, p.Leu7732= (NM_133378.4); c.13282+24876G>A (NM_003319.4); c.13858+24876G>A (NM_133437.4); c.13657+24876G>A (NM_133432.3).
Identifiers: ClinVar variation 178231 (VCV000178231.21), dbSNP rs370973715, ClinGen allele CA181854.